The following is an entry in ClinVar:

ClinVar aggregate classification (germline): Uncertain significance. Review status: criteria provided, multiple submitters, no conflicts (2 of 4 stars). 2 submissions from 2 submitters: Uncertain significance (2). Last evaluated 2026-05-29.

Conditions:
PCNT-related disorder. Also called: PCNT-related condition.
Inborn genetic diseases. Identifiers: MedGen C0950123, MeSH D030342.

gnomAD v4.1: 51 of 1,553,062 alleles (0.0033%); highest among the groups gnomAD compares: Non-Finnish European, 0.004%; no homozygotes.

Submissions (2):

PreventionGenetics, part of Exact Sciences
Classification: Uncertain significance for PCNT-related condition. Last evaluated: 2026-05-29. Review status: criteria provided, single submitter. Criteria: ACMG Guidelines, 2015. Collection method: clinical testing. Allele origin: germline.
Comment: The PCNT c.7938C>G variant is predicted to result in the amino acid substitution p.Asn2646Lys. To our knowledge, this variant has not been reported in the literature. This variant is reported in 0.0056% of alleles in individuals of African descent in gnomAD. At this time, the clinical significance of this variant is uncertain due to the absence of conclusive functional and genetic evidence.

Ambry Genetics
Classification: Uncertain significance for Inborn genetic diseases. Last evaluated: 2024-11-25. Review status: criteria provided, single submitter. Criteria: Ambry Variant Classification Scheme 2023. Collection method: clinical testing. Allele origin: germline.

NM_006031.6(PCNT):c.7938C>G (p.Asn2646Lys)

Gene: PCNT (pericentrin; plus strand). Cytogenetic location: 21q22.3.
Variant type: single nucleotide variant.
Coding change: c.7938C>G on transcript NM_006031.6 (MANE Select); coding-DNA position 7938, C replaced by G.
Protein change: p.Asn2646Lys; replaces asparagine 2646 with lysine.
Molecular consequence: missense variant.
Genome position (GRCh38, 1-based): chr21:46,430,531, C>G. VCF-style: chr21-46430531-C-G. GRCh37 (hg19) VCF-style: chr21-47850445-C-G.
Other names: c.7584C>G, p.Asn2528Lys (NM_001315529.2); short protein forms N2528K, N2646K.
Identifiers: ClinVar variation 2634185 (VCV002634185.3), dbSNP rs1179560746, ClinGen allele CA410572119.
Genomic context (GRCh38, chr21:46,430,531, plus strand): 5'-CACGTGGTCAGATTGTTCTGCGATGTCTCCACGCAGATCCATGCTGAGCAGTAAGGAGAA[C>G]GAGCTGAAGGCCGCGCTTCAGGAGCTGGAGAGTGAGCAGGGGAAGGGGCGTGCCCTGCAG-3'
Protein context (NP_006022.3, residues 2636-2656): QLRSMLSSKE[Asn2646Lys]ELKAALQELE